The following is an entry in ClinVar:

NM_002474.3(MYH11):c.3271G>A (p.Glu1091Lys)

Gene: MYH11 (myosin heavy chain 11; minus strand). Cytogenetic location: 16p13.11.
Variant type: single nucleotide variant.
Coding change: c.3271G>A on transcript NM_002474.3 (MANE Select); coding-DNA position 3271, G replaced by A.
Protein change: p.Glu1091Lys; replaces glutamic acid 1091 with lysine.
Molecular consequence: missense variant.
Genome position (GRCh38, 1-based): chr16:15,737,471, C>T on the plus strand (G>A on the coding strand, the complement: MYH11 is on the minus strand). VCF-style: chr16-15737471-C-T. GRCh37 (hg19) VCF-style: chr16-15831328-C-T.
Other names: c.3292G>A, p.Glu1098Lys (NM_001040113.2, NM_001040114.2); c.3271G>A, p.Glu1091Lys (NM_022844.3); short protein forms E1091K, E1098K.
Identifiers: ClinVar variation 2882956 (VCV002882956.4), dbSNP rs201443445, ClinGen allele CA278623210.

ClinVar aggregate classification (germline): Uncertain significance. Review status: criteria provided, multiple submitters, no conflicts (2 of 4 stars). 2 submissions from 2 submitters: Uncertain significance (2). Last evaluated 2024-05-31.

Conditions:
Aortic aneurysm, familial thoracic 4 (AAT4). Also called: AORTIC ANEURYSM/AORTIC DISSECTION AND PATENT DUCTUS ARTERIOSUS. Identifiers: MedGen C1851504, MONDO:0007568, OMIM 132900.
Familial thoracic aortic aneurysm and aortic dissection (TAAD). Also called: Thoracic aortic aneurysms and dissections. Identifiers: Orphanet 91387, MedGen C4707243, MONDO:0019625.

gnomAD v4.1: 1 of 1,613,094 alleles (0.000062%); highest among the groups gnomAD compares: Non-Finnish European, 0.000085%; no homozygotes.

Submissions (2):

Labcorp Genetics (formerly Invitae), Labcorp
Classification: Uncertain significance for Aortic aneurysm, familial thoracic 4. Last evaluated: 2024-05-31. Review status: criteria provided, single submitter. Criteria: Invitae Variant Classification Sherloc (09022015). Collection method: clinical testing. Allele origin: germline.
Comment: This sequence change replaces glutamic acid, which is acidic and polar, with lysine, which is basic and polar, at codon 1098 of the MYH11 protein (p.Glu1098Lys). This variant is not present in population databases (gnomAD no frequency). This variant has not been reported in the literature in individuals affected with MYH11-related conditions. Advanced modeling of protein sequence and biophysical properties (such as structural, functional, and spatial information, amino acid conservation, physicochemical variation, residue mobility, and thermodynamic stability) performed at Invitae indicates that this missense variant is not expected to disrupt MYH11 protein function with a negative predictive value of 95%. In summary, the available evidence is currently insufficient to determine the role of this variant in disease. Therefore, it has been classified as a Variant of Uncertain Significance.

All of Us Research Program, National Institutes of Health
Classification: Uncertain significance for Familial thoracic aortic aneurysm and aortic dissection. Last evaluated: 2023-08-15. Review status: criteria provided, single submitter. Criteria: ACMG Guidelines, 2015. Collection method: clinical testing. Allele origin: germline. Inheritance: Autosomal dominant inheritance. Observed: 2 variant alleles, 2 heterozygotes.
Comment: This study involves interpretation of variants in research participants for the purpose of population health screening. Participant phenotype was not available at the time of variant classification. Additional details can be found in publication PMID: 35346344, PMCID: PMC8962531